The following is an entry in ClinVar:

ClinVar aggregate classification (germline): Pathogenic. Review status: criteria provided, multiple submitters, no conflicts (2 of 4 stars). 4 submissions from 4 submitters: Pathogenic (4). Last evaluated 2025-11-19.

Conditions:
Chédiak-Higashi syndrome (CHS). Also called: Chediak-Higashi Syndrome. Identifiers: Orphanet 167, MedGen C0007965, MONDO:0008963, OMIM 214500.

Submissions (4):

Dasa
Classification: Pathogenic. Last evaluated: 2025-11-19. Review status: criteria provided, single submitter. Criteria: DASA Assertion Criteria. Collection method: clinical testing. Allele origin: germline.
Comment: NM_000081.4(LYST):c.4322_4325del (p.Glu1441Valfs*12) introduces a premature termination codon predicted to result in loss of normal protein function. Loss-of-function is an established mechanism of disease for this gene. The variant is present at low frequency in population datasets. Based on the available data, this variant is classified as pathogenic.

Fulgent Genetics
Classification: Pathogenic for Chédiak-Higashi syndrome. Last evaluated: 2024-06-22. Review status: criteria provided, single submitter. Criteria: ACMG Guidelines, 2015. Collection method: clinical testing. Allele origin: germline.

Labcorp Genetics (formerly Invitae), Labcorp
Classification: Pathogenic for Chédiak-Higashi syndrome. Last evaluated: 2023-12-30. Review status: criteria provided, single submitter. Criteria: Invitae Variant Classification Sherloc (09022015). Collection method: clinical testing. Allele origin: germline.
Comment: This sequence change creates a premature translational stop signal (p.Glu1441Valfs*12) in the LYST gene. It is expected to result in an absent or disrupted protein product. Loss-of-function variants in LYST are known to be pathogenic (PMID: 9215679, 11857544). This variant is not present in population databases (gnomAD no frequency). This variant has not been reported in the literature in individuals affected with LYST-related conditions. For these reasons, this variant has been classified as Pathogenic.

Diagnostics Services (NGS), CSIR - Centre For Cellular And Molecular Biology
Classification: Pathogenic for Chédiak-Higashi syndrome. Last evaluated: 2021-05-13. Review status: criteria provided, single submitter. Criteria: ACMG Guidelines, 2015. Collection method: clinical testing. Allele origin: germline. Inheritance: Autosomal recessive inheritance. Affected: yes. Observed: 1 variant allele, 1 homozygote.
Comment: The c.4322_4325del variant is not present in publicly available population databases like1000 Genomes,Exome Variant Server (EVS), Exome Aggregation Consortium (ExAC), Genome Aggregation Database (gnomAD) or in the Indian Exome Database [Kausthubham et al. Hum Mutat, 2021] and our in-house exome database. The variant has never been previosuly reported to ClinVar, Human Genome Mutation Database (HGMD) or OMIM databases in affected individuals. In-silico pathogenicity prediction programs like MutationTaster2, CADD, Varsome etc. predicted this variant to be likely disease causing.The variant causes frameshift at 1441 amino acid of the wild-type transcript,leading to a premature stop codon at the 1452 amino acid of the altered transcript, resulting either in a truncated protein or nonsense mediated decay of the mRNA. The variant qualifies all the criteria of ACMG guidelines to be classified as pathogenic.

Literature cited by the submitters: PubMed 9215679 (cited by Labcorp Genetics (formerly Invitae), Labcorp); PubMed 11857544 (cited by Labcorp Genetics (formerly Invitae), Labcorp).

NM_000081.4(LYST):c.4322_4325del (p.Glu1441fs)

Gene: LYST (lysosomal trafficking regulator; minus strand). Cytogenetic location: 1q42.3.
Variant type: Microsatellite.
Coding change: c.4322_4325del on transcript NM_000081.4 (MANE Select); coding-DNA positions 4322 to 4325, 4 bases deleted (AGAG; older notation c.4322_4325delAGAG).
Protein change: p.Glu1441fs; shifts the reading frame from glutamic acid 1441.
Molecular consequence: frameshift variant.
Genome position (GRCh38, 1-based): chr1:235,791,917-235,791,920, CTCT deleted on the plus strand (AGAG on the coding strand, the reverse complement: LYST is on the minus strand); deleting any 4 consecutive bases within chr1:235,791,917-235,791,924 gives the same sequence; the c. name uses the placement nearest the transcript's 3' end. VCF-style (leftmost placement, unchanged base first): chr1-235791916-ACTCT-A. GRCh37 (hg19) VCF-style: chr1-235955216-ACTCT-A.
Other names: c.4322_4325del, p.Glu1441fs (NM_001301365.1); short protein forms E1441fs.
Identifiers: ClinVar variation 1173104 (VCV001173104.9), dbSNP rs1324833938, ClinGen allele CA529911272.
Genomic context (GRCh38, chr1:235,791,916, plus strand): 5'-CCCCAGCAACGGCAGGTGGACTGGGGCTATGTGCCAAGATGAAAGCAGCCGATGGGGAAA[ACTCT>A]CTCTATCAGCCTCTTTCTTGCTCCGTGAAACTCGTGCTCTTCTCAATAAACCCATGGCCT-3'